The following is an entry in ClinVar:

ClinVar aggregate classification (germline): Conflicting classifications of pathogenicity. Review status: criteria provided, conflicting classifications (1 of 4 stars). 4 submissions from 4 submitters: Uncertain significance (1); Benign (1); Likely benign (2). Last evaluated 2026-02-02.

Conditions:
LTBP4-related disorder. Also called: LTBP4-related condition.

Allele frequency attached by ClinVar (database versions not stated): ESP Exome Variant Server 0.00025; TOPMed 0.00028; gnomAD 0.00030 and 0.00034; gnomAD exomes 0.00034 and 0.00058; ExAC 0.00042.
gnomAD v4.1: 577 of 1,613,560 alleles (0.036%); highest among the groups gnomAD compares: Non-Finnish European, 0.013%; no homozygotes.

Submissions (4):

Labcorp Genetics (formerly Invitae), Labcorp
Classification: Benign. Last evaluated: 2026-02-02. Review status: criteria provided, single submitter. Criteria: Invitae Variant Classification Sherloc (09022015). Collection method: clinical testing. Allele origin: germline.

PreventionGenetics, part of Exact Sciences
Classification: Likely benign for LTBP4-related condition. Last evaluated: 2025-05-06. Review status: criteria provided, single submitter. Criteria: ACMG Guidelines, 2015. Collection method: clinical testing. Allele origin: germline.
Comment: This variant is classified as likely benign based on ACMG/AMP sequence variant interpretation guidelines (Richards et al. 2015 PMID: 25741868, with internal and published modifications).

CeGaT Center for Human Genetics Tuebingen
Classification: Likely benign. Last evaluated: 2022-01-01. Review status: criteria provided, single submitter. Criteria: CeGaT Center For Human Genetics Tuebingen Variant Classification Criteria Version 2. Collection method: clinical testing. Allele origin: germline. Affected: yes. Observed: 1 variant allele.

GeneDx
Classification: Uncertain significance. Last evaluated: 2021-05-06. Review status: criteria provided, single submitter. Criteria: GeneDx Variant Classification Process June 2021. Collection method: clinical testing. Allele origin: germline. Affected: yes.
Comment: In silico analysis supports that this missense variant has a deleterious effect on protein structure/function; Has not been previously published as pathogenic or benign to our knowledge

NM_001042545.2(LTBP4):c.3338G>A (p.Arg1113His)

Gene: LTBP4 (latent transforming growth factor beta binding protein 4; plus strand). Cytogenetic location: 19q13.2.
Variant type: single nucleotide variant.
Coding change: c.3338G>A on transcript NM_001042545.2 (MANE Select); coding-DNA position 3338, G replaced by A.
Protein change: p.Arg1113His; replaces arginine 1113 with histidine.
Molecular consequence: missense variant.
Genome position (GRCh38, 1-based): chr19:40,622,521, G>A. VCF-style: chr19-40622521-G-A. GRCh37 (hg19) VCF-style: chr19-41128426-G-A.
Other names: c.3539G>A, p.Arg1180His (NM_001042544.1); c.3428G>A, p.Arg1143His (NM_003573.2); short protein forms R1113H, R1143H, R1180H.
Identifiers: ClinVar variation 546119 (VCV000546119.46), dbSNP rs199887429, ClinGen allele CA9448981.